The following is an entry in ClinVar:

ClinVar aggregate classification (germline): Conflicting classifications of pathogenicity. Review status: criteria provided, conflicting classifications (1 of 4 stars). 11 submissions from 11 submitters: Uncertain significance (1); Benign (1); Likely benign (9). Last evaluated 2026-01-26.

Conditions:
Familial thoracic aortic aneurysm and aortic dissection (TAAD). Also called: Thoracic aortic aneurysms and dissections. Identifiers: Orphanet 91387, MedGen C4707243, MONDO:0019625.
Aneurysm-osteoarthritis syndrome. Also called: ANEURYSMS-OSTEOARTHRITIS SYNDROME; Loeys-Dietz syndrome, type 1C; SMAD3-Related Loeys-Dietz Syndrome; LOEYS-DIETZ SYNDROME WITH OSTEOARTHRITIS. Identifiers: Orphanet 284984, MedGen C3151087, MONDO:0013426, OMIM 613795.

Allele frequency attached by ClinVar (database versions not stated): ExAC 0.00007; gnomAD 0.00009; gnomAD exomes 0.00009 and 0.00011; TOPMed 0.00013; ESP Exome Variant Server 0.00015.
gnomAD v4.1: 175 of 1,613,974 alleles (0.011%); highest among the groups gnomAD compares: Non-Finnish European, 0.014%; no homozygotes.

Submissions (11):

Labcorp Genetics (formerly Invitae), Labcorp
Classification: Likely benign for Familial thoracic aortic aneurysm and aortic dissection. Last evaluated: 2026-01-26. Review status: criteria provided, single submitter. Criteria: Invitae Variant Classification Sherloc (09022015). Collection method: clinical testing. Allele origin: germline.

ARUP Laboratories, Molecular Genetics and Genomics, ARUP Laboratories
Classification: Likely benign for Aneurysm-osteoarthritis syndrome. Last evaluated: 2024-12-19. Review status: criteria provided, single submitter. Criteria: ARUP Molecular Germline Variant Investigation Process 2024. Collection method: clinical testing. Allele origin: germline.

Blueprint Genetics
Classification: Likely benign. Last evaluated: 2024-03-22. Review status: criteria provided, single submitter. Criteria: ACMG Guidelines, 2015. Collection method: clinical testing. Allele origin: germline.

CeGaT Center for Human Genetics Tuebingen
Classification: Likely benign. Last evaluated: 2024-03-01. Review status: criteria provided, single submitter. Criteria: CeGaT Center For Human Genetics Tuebingen Variant Classification Criteria Version 2. Collection method: clinical testing. Allele origin: germline. Affected: yes. Observed: 2 variant alleles.
Comment: SMAD3: BP4, BP7

All of Us Research Program, National Institutes of Health
Classification: Likely benign for Aneurysm-osteoarthritis syndrome. Last evaluated: 2024-02-05. Review status: criteria provided, single submitter. Criteria: ACMG Guidelines, 2015. Collection method: clinical testing. Allele origin: germline. Inheritance: Autosomal dominant inheritance. Observed: 32 variant alleles, 32 heterozygotes.
Comment: This study involves interpretation of variants in research participants for the purpose of population health screening. Participant phenotype was not available at the time of variant classification. Additional details can be found in publication PMID: 35346344, PMCID: PMC8962531

CHEO Genetics Diagnostic Laboratory, Children's Hospital of Eastern Ontario
Classification: Likely benign for Familial thoracic aortic aneurysm and aortic dissection. Last evaluated: 2022-03-04. Review status: criteria provided, single submitter. Criteria: ACMG Guidelines, 2015. Collection method: clinical testing. Allele origin: germline.

Women's Health and Genetics/Laboratory Corporation of America, LabCorp
Classification: Benign. Last evaluated: 2021-05-23. Review status: criteria provided, single submitter. Criteria: LabCorp Variant Classification Summary - May 2015. Collection method: clinical testing. Allele origin: germline.

Ambry Genetics
Classification: Likely benign for Familial thoracic aortic aneurysm and aortic dissection. Last evaluated: 2020-11-03. Review status: criteria provided, single submitter. Criteria: Ambry Variant Classification Scheme 2023. Collection method: clinical testing. Allele origin: germline.

Color Diagnostics, LLC DBA Color Health
Classification: Likely benign for Familial thoracic aortic aneurysm and aortic dissection. Last evaluated: 2018-06-04. Review status: criteria provided, single submitter. Criteria: ACMG Guidelines, 2015. Collection method: clinical testing. Allele origin: germline.

GeneDx
Classification: Likely benign. Last evaluated: 2017-05-15. Review status: criteria provided, single submitter. Criteria: GeneDx Variant Classification (06012015). Collection method: clinical testing. Allele origin: germline. Affected: yes.
Comment: This variant is considered likely benign or benign based on one or more of the following criteria: it is a conservative change, it occurs at a poorly conserved position in the protein, it is predicted to be benign by multiple in silico algorithms, and/or has population frequency not consistent with disease.

Eurofins Ntd Llc (ga)
Classification: Uncertain significance. Last evaluated: 2014-11-21. Review status: criteria provided, single submitter. Criteria: EGL Classification Definitions 2015. Collection method: clinical testing. Allele origin: germline. Observed: 1 variant allele, 1 heterozygote.

NM_005902.4(SMAD3):c.885G>A (p.Arg295=)

Gene: SMAD3 (SMAD family member 3; plus strand). Cytogenetic location: 15q22.33.
Variant type: single nucleotide variant.
Coding change: c.885G>A on transcript NM_005902.4 (MANE Select); coding-DNA position 885, G replaced by A.
Protein change: p.Arg295=; no amino-acid change (arginine 295 retained).
Molecular consequence: synonymous variant.
Genome position (GRCh38, 1-based): chr15:67,184,740, G>A. VCF-style: chr15-67184740-G-A. GRCh37 (hg19) VCF-style: chr15-67477078-G-A.
Other names: c.570G>A, p.Arg190= (NM_001145102.2); c.753G>A, p.Arg251= (NM_001145103.2); c.300G>A, p.Arg100= (NM_001145104.2).
Identifiers: ClinVar variation 198533 (VCV000198533.70), dbSNP rs139616052, ClinGen allele CA020156.